The following is an entry in ClinVar:

NM_002470.4(MYH3):c.2363G>A (p.Arg788Gln)

Gene: MYH3 (myosin heavy chain 3; minus strand). Cytogenetic location: 17p13.1.
Variant type: single nucleotide variant.
Coding change: c.2363G>A on transcript NM_002470.4 (MANE Select); coding-DNA position 2363, G replaced by A.
Protein change: p.Arg788Gln; replaces arginine 788 with glutamine.
Molecular consequence: missense variant.
Genome position (GRCh38, 1-based): chr17:10,640,396, C>T on the plus strand (G>A on the coding strand, the complement: MYH3 is on the minus strand). VCF-style: chr17-10640396-C-T. GRCh37 (hg19) VCF-style: chr17-10543713-C-T.
Other names: c.2363G>A (NM_002470.3); short protein forms R788Q.
Identifiers: ClinVar variation 4711872 (VCV004711872.4).

ClinVar aggregate classification (germline): Uncertain significance. Review status: criteria provided, multiple submitters, no conflicts (2 of 4 stars). 3 submissions from 3 submitters: Uncertain significance (3). Last evaluated 2025-07-11.

Conditions:
MYH3-related disorder. Also called: MYH3-related condition; MYH3-Related Disorders. Identifiers: MedGen CN239329.

gnomAD v4.1: 31 of 1,614,066 alleles (0.0019%); highest among the groups gnomAD compares: Middle Eastern, 0.016%; no homozygotes.

Submissions (3):

Labcorp Genetics (formerly Invitae), Labcorp
Classification: Uncertain significance. Last evaluated: 2025-07-11. Review status: criteria provided, single submitter. Criteria: Invitae Variant Classification Sherloc (09022015). Collection method: clinical testing. Allele origin: germline.
Comment: This sequence change replaces arginine, which is basic and polar, with glutamine, which is neutral and polar, at codon 788 of the MYH3 protein (p.Arg788Gln). This variant is present in population databases (rs747794027, gnomAD 0.005%). This variant has not been reported in the literature in individuals affected with MYH3-related conditions. Invitae Evidence Modeling of protein sequence and biophysical properties (such as structural, functional, and spatial information, amino acid conservation, physicochemical variation, residue mobility, and thermodynamic stability) indicates that this missense variant is not expected to disrupt MYH3 protein function with a negative predictive value of 95%. In summary, the available evidence is currently insufficient to determine the role of this variant in disease. Therefore, it has been classified as a Variant of Uncertain Significance.

Dasa
Classification: Uncertain significance. Last evaluated: 2025-04-11. Review status: criteria provided, single submitter. Criteria: DASA Assertion Criteria. Collection method: clinical testing. Allele origin: germline.
Comment: NM_002470.4(MYH3):c.2363G>A (p.Arg788Gln) is a missense variant that results in the substitution of arginine with glutamine. This variant is rare in population databases. Computational prediction algorithms are consistent with a benign effect. The currently available literature and clinical evidence are not sufficient to establish a definitive association between this variant and the reported condition. Therefore, this variant is classified as a variant of uncertain significance.

PreventionGenetics, part of Exact Sciences
Classification: Uncertain significance for MYH3-related condition. Last evaluated: 2025-04-04. Review status: criteria provided, single submitter. Criteria: ACMG Guidelines, 2015. Collection method: clinical testing. Allele origin: germline.
Comment: The MYH3 c.2363G>A variant is predicted to result in the amino acid substitution p.Arg788Gln. To our knowledge, this variant has not been reported in the literature. This variant is reported in 0.0054% of alleles in individuals of East Asian descent in gnomAD. At this time, the clinical significance of this variant is uncertain due to the absence of conclusive functional and genetic evidence.